The following is an entry in ClinVar:

NM_001127392.3(MYRF):c.80A>G (p.Asn27Ser)

Gene: MYRF (myelin regulatory factor; plus strand). Cytogenetic location: 11q12.2.
Variant type: single nucleotide variant.
Coding change: c.80A>G on transcript NM_001127392.3 (MANE Select); coding-DNA position 80, A replaced by G.
Protein change: p.Asn27Ser; replaces asparagine 27 with serine.
Molecular consequence: missense variant.
Genome position (GRCh38, 1-based): chr11:61,765,658, A>G. VCF-style: chr11-61765658-A-G. GRCh37 (hg19) VCF-style: chr11-61533130-A-G.
Other names: c.53A>G, p.Asn18Ser (NM_013279.4); short protein forms N18S, N27S.
Identifiers: ClinVar variation 4885636 (VCV004885636.2).
Genomic context (GRCh38, chr11:61,765,658, plus strand): 5'-CCCTAGCCCATCTCTCCTGCCCTGCAGGCCACGACATCAACGGTGCCCTGGAGCCCTCCA[A>G]CATAGACACCAGCATCCTGGAGGAGTACATCAGCAAGGAGGATGCCTCCGACCTGTGAGT-3'
Protein context (NP_001120864.1, residues 17-37): HDINGALEPS[Asn27Ser]IDTSILEEYI

ClinVar aggregate classification (germline): Uncertain significance (1 of 4 stars; one submission).

Submission:

Dasa
Classification: Uncertain significance. Last evaluated: 2025-09-24. Review status: criteria provided, single submitter. Criteria: DASA Assertion Criteria. Collection method: clinical testing. Allele origin: germline.
Comment: NM_001127392.3(MYRF):c.80A>G (p.Asn27Ser) is a missense variant that results in the substitution of asparagine with serine. This variant is rare in population databases. Computational prediction algorithms are consistent with a benign effect. The currently available literature and clinical evidence are not sufficient to establish a definitive association between this variant and the reported condition. Therefore, this variant is classified as a variant of uncertain significance.